The following is an entry in ClinVar:

ClinVar aggregate classification (germline): Uncertain significance (1 of 4 stars; one submission).

Submission:

GeneDx
Classification: Uncertain significance. Last evaluated: 2022-11-15. Review status: criteria provided, single submitter. Criteria: GeneDx Variant Classification Process June 2021. Collection method: clinical testing. Allele origin: germline. Affected: yes.
Comment: In-frame deletion of 1 amino acid in a non-repeat region; Not observed at significant frequency in large population cohorts (gnomAD); In silico analysis supports a deleterious effect on protein structure/function; Has not been previously published as pathogenic or benign to our knowledge

NM_057175.5(NAA15):c.280AAG[1] (p.Lys95del)

Gene: NAA15 (N-alpha-acetyltransferase 15, NatA auxiliary subunit; plus strand). Cytogenetic location: 4q31.1.
Variant type: Microsatellite.
Coding change: c.280AAG[1] on transcript NM_057175.5 (MANE Select); one copy of the 3-base unit AAG starting at c.280; the reference has two copies in a row; one copy, 3 bases deleted.
Protein change: p.Lys95del; deletes lysine 95.
Molecular consequence: inframe deletion. On other transcripts: inframe indel (1).
Genome position (GRCh38, 1-based): chr4:139,340,950-139,340,952, AAG deleted; deleting any 3 consecutive bases within chr4:139,340,947-139,340,952 gives the same sequence; the position shown is the placement nearest the transcript's 3' end. VCF-style (leftmost placement, unchanged base first): chr4-139340946-CAAG-C. GRCh37 (hg19) VCF-style: chr4-140262100-CAAG-C.
Other names: c.280AAG[1], p.Lys95del (NM_001410842.1); c.280_282AAG[1], p.Lys95del (NM_025085.2); short protein forms K95del.
Identifiers: ClinVar variation 2502117 (VCV002502117.1), dbSNP rs2530368620, ClinGen allele CA555035731.